The following is an entry in ClinVar:

NM_001287491.2(TET3):c.3117C>T (p.Ala1039=)

Gene: TET3 (tet methylcytosine dioxygenase 3; plus strand). Cytogenetic location: 2p13.1.
Variant type: single nucleotide variant.
Coding change: c.3117C>T on transcript NM_001287491.2 (MANE Select); coding-DNA position 3117, C replaced by T.
Protein change: p.Ala1039=; no amino-acid change (alanine 1039 retained).
Molecular consequence: synonymous variant.
Genome position (GRCh38, 1-based): chr2:74,092,979, C>T. VCF-style: chr2-74092979-C-T. GRCh37 (hg19) VCF-style: chr2-74320106-C-T.
Other names: c.2838C>T, p.Ala946= (NM_001366022.1); c.2712C>T, p.Ala904= (NM_144993.1).
Identifiers: ClinVar variation 2651045 (VCV002651045.25), dbSNP rs146350073, ClinGen allele CA1718929.

ClinVar aggregate classification (germline): Likely benign. Review status: criteria provided, multiple submitters, no conflicts (2 of 4 stars). 2 submissions from 2 submitters: Likely benign (2). Last evaluated 2026-02-01.

Allele frequency attached by ClinVar (database versions not stated): 1000 Genomes Project 0.00060; gnomAD 0.00061; TOPMed 0.00062; ESP Exome Variant Server 0.00075; 1000 Genomes Project 30x 0.00078; gnomAD exomes 0.00097; ExAC 0.00099.
gnomAD v4.1: 1,453 of 1,572,728 alleles (0.092%); highest among the groups gnomAD compares: Non-Finnish European, 0.12%; 1 homozygote.

Submissions (2):

CeGaT Center for Human Genetics Tuebingen
Classification: Likely benign. Last evaluated: 2026-02-01. Review status: criteria provided, single submitter. Criteria: CeGaT Center For Human Genetics Tuebingen Variant Classification Criteria Version 2. Collection method: clinical testing. Allele origin: germline. Affected: yes. Observed: 3 variant alleles.
Comment: TET3: BP4, BP7

Blueprint Genetics
Classification: Likely benign. Last evaluated: 2024-11-22. Review status: criteria provided, single submitter. Criteria: ACMG Guidelines, 2015. Collection method: clinical testing. Allele origin: germline.